The following is an entry in ClinVar:

NM_138711.6(PPARG):c.52G>T (p.Val18Leu)

Gene: PPARG (peroxisome proliferator activated receptor gamma; plus strand). Cytogenetic location: 3p25.2.
Variant type: single nucleotide variant.
Coding change: c.52G>T on transcript NM_138711.6 (MANE Select); coding-DNA position 52, G replaced by T.
Protein change: p.Val18Leu; replaces valine 18 with leucine.
Molecular consequence: missense variant. On other transcripts: 5 prime UTR variant (1).
Genome position (GRCh38, 1-based): chr3:12,379,763, G>T. VCF-style: chr3-12379763-G-T. GRCh37 (hg19) VCF-style: chr3-12421262-G-T.
Other names: c.52G>T, p.Val18Leu (NM_001330615.4, NM_001354666.3, NM_001354667.3 and 6 more transcripts); c.142G>T, p.Val48Leu (NM_001354668.2, NM_001374265.1, NM_015869.5); c.-376G>T (NM_001354669.2); c.58G>T, p.Val20Leu (NM_001354670.2, NM_001374266.1); short protein forms V18L, V20L, V48L.
Identifiers: ClinVar variation 4990713 (VCV004990713.1).

ClinVar aggregate classification (germline): Uncertain significance (1 of 4 stars; one submission).

Conditions:
PPARG-related disorder. Also called: PPARG-related disorders; PPARG-related condition.

gnomAD v4.1: 78 of 1,613,858 alleles (0.0048%); highest among the groups gnomAD compares: Non-Finnish European, 0.0062%; no homozygotes.

Submission:

PreventionGenetics, part of Exact Sciences
Classification: Uncertain significance for PPARG-related condition. Last evaluated: 2026-06-19. Review status: criteria provided, single submitter. Criteria: ACMG Guidelines, 2015. Collection method: clinical testing. Allele origin: germline.
Comment: The PPARG c.142G>T variant is predicted to result in the amino acid substitution p.Val48Leu. To our knowledge, this variant has not been reported in the literature. This variant is reported in 0.0044% of alleles in individuals of European (Non-Finnish) descent in gnomAD. At this time, the clinical significance of this variant is uncertain due to the absence of conclusive functional and genetic evidence.